The following is an entry in ClinVar:

ClinVar aggregate classification (germline): Benign. Review status: criteria provided, multiple submitters, no conflicts (2 of 4 stars). 11 submissions from 11 submitters: Benign (9). 2 of the submissions do not count toward it. Last evaluated 2026-02-04.

Conditions:
Autosomal recessive nonsyndromic hearing loss 3. Also called: NEUROSENSORY NONSYNDROMIC RECESSIVE DEAFNESS 3. Identifiers: Orphanet 90636, MedGen C1838263, MONDO:0010860, OMIM 600316.

Allele frequency attached by ClinVar (database versions not stated): 1000 Genomes Project 0.15755; 1000 Genomes Project 30x 0.16255; gnomAD exomes 0.16988 and 0.18410; ExAC 0.17672; gnomAD 0.18902 and 0.19129; TOPMed 0.19278; ESP Exome Variant Server 0.20478.
gnomAD v4.1: 298,134 of 1,613,840 alleles (18%); highest among the groups gnomAD compares: Middle Eastern, 30%; 29,024 homozygotes.

Submissions (11):

Labcorp Genetics (formerly Invitae), Labcorp
Classification: Benign. Last evaluated: 2026-02-04. Review status: criteria provided, single submitter. Criteria: Invitae Variant Classification Sherloc (09022015). Collection method: clinical testing. Allele origin: germline.

Genome-Nilou Lab
Classification: Benign for Autosomal recessive nonsyndromic hearing loss 3. Last evaluated: 2021-09-05. Review status: criteria provided, single submitter. Criteria: ACMG Guidelines, 2015. Collection method: clinical testing. Allele origin: germline. Affected: no.

Mayo Clinic Laboratories, Mayo Clinic
Classification: Benign. Last evaluated: 2020-10-20. Review status: criteria provided, single submitter. Criteria: ACMG Guidelines, 2015. Collection method: clinical testing. Allele origin: germline. Observed: 54 variant alleles.

Illumina Laboratory Services, Illumina
Classification: Benign for Autosomal recessive nonsyndromic hearing loss 3. Last evaluated: 2018-01-13. Review status: criteria provided, single submitter. Criteria: ICSL Variant Classification Criteria 13 December 2019. Collection method: clinical testing. Allele origin: germline.
Comment: This variant was observed in the ICSL laboratory as part of a predisposition screen in an ostensibly healthy population. It had not been previously curated by ICSL or reported in the Human Gene Mutation Database (HGMD: prior to June 1st, 2018), and was therefore a candidate for classification through an automated scoring system. Utilizing variant allele frequency, disease prevalence and penetrance estimates, and inheritance mode, an automated score was calculated to assess if this variant is too frequent to cause the disease. Based on the score and internal cut-off values, a variant classified as benign is not then subjected to further curation. The score for this variant resulted in a classification of benign for this disease.

GeneDx
Classification: Benign. Last evaluated: 2017-05-09. Review status: criteria provided, single submitter. Criteria: GeneDx Variant Classification (06012015). Collection method: clinical testing. Allele origin: germline. Affected: yes.
Comment: This variant is considered likely benign or benign based on one or more of the following criteria: it is a conservative change, it occurs at a poorly conserved position in the protein, it is predicted to be benign by multiple in silico algorithms, and/or has population frequency not consistent with disease.

Eurofins Ntd Llc (ga)
Classification: Benign. Last evaluated: 2014-10-16. Review status: criteria provided, single submitter. Criteria: EGL Classification Definitions 2015. Collection method: clinical testing. Allele origin: germline. Observed: 1 variant allele, 1 heterozygote.

Laboratory for Molecular Medicine, Mass General Brigham Personalized Medicine
Classification: Benign. Last evaluated: 2012-05-07. Review status: criteria provided, single submitter. Criteria: LMM Criteria. Collection method: clinical testing. Allele origin: germline. Observed: 555 variant alleles.
Comment: "Asp3162Asp in Exon 57 of MYO15A: This variant is not expected to have clinical significance because it does not alter an amino acid residue, is not located wit hin the splice consensus sequence, and has been identified in 20.8% (1435/6896) of European American chromosomes from a broad population by the NHLBI Exome Sequ encing Project (dbSNP rs8077577)."

Breakthrough Genomics
Classification: Benign. Review status: criteria provided, single submitter. Criteria: ACMG Guidelines, 2015. Collection method: not provided. Allele origin: germline. Inheritance: Autosomal recessive inheritance. Affected: yes.

PreventionGenetics, part of Exact Sciences
Classification: Benign. Review status: criteria provided, single submitter. Criteria: ACMG Guidelines, 2015. Collection method: clinical testing. Allele origin: germline.

Diagnostic Laboratory, Department of Genetics, University Medical Center Groningen
Classification: Benign. Review status: no assertion criteria provided. Collection method: clinical testing. Allele origin: germline. Affected: yes. Study: VKGL Data-share Consensus. Not counted in ClinVar's aggregate classification.

Joint Genome Diagnostic Labs from Nijmegen and Maastricht, Radboudumc and MUMC+
Classification: Benign. Review status: no assertion criteria provided. Collection method: clinical testing. Allele origin: germline. Affected: yes. Study: VKGL Data-share Consensus. Not counted in ClinVar's aggregate classification.

NM_016239.4(MYO15A):c.9486C>T (p.Asp3162=)

Gene: MYO15A (myosin XVA; plus strand). Cytogenetic location: 17p11.2.
Variant type: single nucleotide variant.
Coding change: c.9486C>T on transcript NM_016239.4 (MANE Select); coding-DNA position 9486, C replaced by T.
Protein change: p.Asp3162=; no amino-acid change (aspartic acid 3162 retained).
Molecular consequence: synonymous variant.
Genome position (GRCh38, 1-based): chr17:18,161,416, C>T. VCF-style: chr17-18161416-C-T. GRCh37 (hg19) VCF-style: chr17-18064730-C-T.
Other names: p.Asp3162=.
Identifiers: ClinVar variation 45774 (VCV000045774.30), dbSNP rs8077577, ClinGen allele CA137031.